The following is an entry in ClinVar:

NM_006031.6(PCNT):c.5284G>A (p.Glu1762Lys)

Gene: PCNT (pericentrin; plus strand). Cytogenetic location: 21q22.3.
Variant type: single nucleotide variant.
Coding change: c.5284G>A on transcript NM_006031.6 (MANE Select); coding-DNA position 5284, G replaced by A.
Protein change: p.Glu1762Lys; replaces glutamic acid 1762 with lysine.
Molecular consequence: missense variant.
Genome position (GRCh38, 1-based): chr21:46,411,357, G>A. VCF-style: chr21-46411357-G-A. GRCh37 (hg19) VCF-style: chr21-47831271-G-A.
Other names: c.4930G>A, p.Glu1644Lys (NM_001315529.2); short protein forms E1644K, E1762K.
Identifiers: ClinVar variation 4627119 (VCV004627119.2).

ClinVar aggregate classification (germline): Uncertain significance. Review status: criteria provided, multiple submitters, no conflicts (2 of 4 stars). 2 submissions from 2 submitters: Uncertain significance (2). Last evaluated 2025-11-06.

Conditions:
Inborn genetic diseases. Identifiers: MedGen C0950123, MeSH D030342.
PCNT-related disorder. Also called: PCNT-related condition.

Submissions (2):

Ambry Genetics
Classification: Uncertain significance for Inborn genetic diseases. Last evaluated: 2025-11-06. Review status: criteria provided, single submitter. Criteria: Ambry Variant Classification Scheme 2023. Collection method: clinical testing. Allele origin: germline.

PreventionGenetics, part of Exact Sciences
Classification: Uncertain significance for PCNT-related condition. Last evaluated: 2025-03-23. Review status: criteria provided, single submitter. Criteria: ACMG Guidelines, 2015. Collection method: clinical testing. Allele origin: germline.
Comment: The PCNT c.5284G>A variant is predicted to result in the amino acid substitution p.Glu1762Lys. To our knowledge, this variant has not been reported in the literature. This variant is reported in 0.0033% of alleles in individuals of South Asian descent in gnomAD. At this time, the clinical significance of this variant is uncertain due to the absence of conclusive functional and genetic evidence.